The following is an entry in ClinVar:

ClinVar aggregate classification (germline): Pathogenic (1 of 4 stars; one submission).

Submission:

Labcorp Genetics (formerly Invitae), Labcorp
Classification: Pathogenic. Last evaluated: 2021-04-05. Review status: criteria provided, single submitter. Criteria: Invitae Variant Classification Sherloc (09022015). Collection method: clinical testing. Allele origin: germline.
Comment: For these reasons, this variant has been classified as Pathogenic. This variant has not been reported in the literature in individuals with COL9A1-related conditions. This variant is not present in population databases (ExAC no frequency). This sequence change creates a premature translational stop signal (p.Asp135Ilefs*10) in the COL9A1 gene. It is expected to result in an absent or disrupted protein product. Loss-of-function variants in COL9A1 are known to be pathogenic (PMID: 16909383, 21421862).

Literature cited by the submitters: PubMed 16909383; PubMed 21421862.

NM_001851.6(COL9A1):c.403del (p.Asp135fs)

Gene: COL9A1 (collagen type IX alpha 1 chain; minus strand). Cytogenetic location: 6q13.
Variant type: Deletion.
Coding change: c.403del on transcript NM_001851.6 (MANE Select); coding-DNA position 403, one base deleted (G; older notation c.403delG).
Protein change: p.Asp135fs; shifts the reading frame from aspartic acid 135.
Molecular consequence: frameshift variant.
Genome position (GRCh38, 1-based): chr6:70,294,460, C deleted on the plus strand (G on the coding strand, the reverse complement: COL9A1 is on the minus strand); the first of 2 consecutive C bases (chr6:70,294,460-70,294,461); deleting either gives the same sequence. VCF-style (leftmost placement, unchanged base first): chr6-70294459-TC-T. GRCh37 (hg19) VCF-style: chr6-71004162-TC-T.
Other names: c.403del, p.Asp135fs (NM_001377291.1); short protein forms D135fs.
Identifiers: ClinVar variation 1454270 (VCV001454270.6), dbSNP rs2127605169, ClinGen allele CA2573141283.